The following is an entry in ClinVar:

NM_000540.3(RYR1):c.4112G>T (p.Arg1371Met)

Gene: RYR1 (ryanodine receptor 1; plus strand). Cytogenetic location: 19q13.2.
Variant type: single nucleotide variant.
Coding change: c.4112G>T on transcript NM_000540.3 (MANE Select); coding-DNA position 4112, G replaced by T.
Protein change: p.Arg1371Met; replaces arginine 1371 with methionine.
Molecular consequence: missense variant.
Genome position (GRCh38, 1-based): chr19:38,473,723, G>T. VCF-style: chr19-38473723-G-T. GRCh37 (hg19) VCF-style: chr19-38964363-G-T.
Other names: c.4112G>T, p.Arg1371Met (NM_001042723.2); short protein forms R1371M.
Identifiers: ClinVar variation 3071433 (VCV003071433.1), dbSNP rs1378381256, ClinGen allele CA405643134.

ClinVar aggregate classification (germline): Uncertain significance (1 of 4 stars; one submission).

Conditions:
Malignant hyperthermia, susceptibility to, 1 (MHS1). Also called: Anesthesia related hyperthermia; Malignant hyperpyrexia; Fulminating hyperpyrexia; Pharmacogenic myopathy; RYR1-Related Malignant Hyperthermia Susceptibility; Malignant hyperthermia suceptibility 1. Identifiers: Orphanet 423, MedGen C2930980, MONDO:0007783, OMIM 145600.

Submission:

All of Us Research Program, National Institutes of Health
Classification: Uncertain significance for Malignant hyperthermia, susceptibility to, 1. Last evaluated: 2023-05-31. Review status: criteria provided, single submitter. Criteria: ACMG Guidelines, 2015. Collection method: clinical testing. Allele origin: germline. Inheritance: Autosomal dominant inheritance. Observed: 1 variant allele, 1 heterozygote.
Comment: This study involves interpretation of variants in research participants for the purpose of population health screening. Participant phenotype was not available at the time of variant classification. Additional details can be found in publication PMID: 35346344, PMCID: PMC8962531